The following is an entry in ClinVar:

ClinVar aggregate classification (germline): Pathogenic (1 of 4 stars; one submission).

Conditions:
Menkes kinky-hair syndrome (MNK). Also called: Copper transport disease; Menkes Disease; Classic Menkes Disease. Identifiers: Orphanet 565, MedGen C0022716, MONDO:0010651, OMIM 309400.

Submission:

Women's Health and Genetics/Laboratory Corporation of America, LabCorp
Classification: Pathogenic for Menkes kinky-hair syndrome. Last evaluated: 2025-11-25. Review status: criteria provided, single submitter. Criteria: LabCorp Variant Classification Summary - May 2015. Collection method: clinical testing. Allele origin: germline.
Comment: Variant summary: The variant involves the deletion of exons 2-23 in the ATP7A gene. A presumed nomenclature of c.(-22+1_-21-1)_(*3826_?)del has been designated for the purposes of this classification. This deletion includes the entire coding sequence of the gene. As the exact proximal and distal breakpoints are unknown, it may extend beyond the annotated region of the gene to include other flanking genes. Loss-of-function variants in this gene are known to be pathogenic. The variant was absent in ~95,000 control chromosomes in the gnomAD database (Structural Variants v4.1 dataset). The deletion of exons 2-23 has been observed in individual(s) affected with Menkes kinky-hair syndrome (e.g. Kaler_2014). To our knowledge, no experimental evidence demonstrating an impact on protein function has been reported. ClinVar contains an entry for a similar deletion variant (Variation ID: 3244475). Based on the evidence outlined above, the variant was classified as pathogenic.

Literature cited by the submitters: PubMed 25281031.

NC_000023.10:g.(77166333_77227117)_(77305893_?)del

Genes: ATP7A (ATPase copper transporting alpha; plus strand), PGAM4 (phosphoglycerate mutase family member 4; minus strand). Cytogenetic location: Xq21.1.
Variant type: Deletion.
Identifiers: ClinVar variation 4537201 (VCV004537201.1).